The following is an entry in ClinVar:

ClinVar aggregate classification (germline): Uncertain significance (1 of 4 stars; one submission).

Conditions:
T-cell immunodeficiency, congenital alopecia, and nail dystrophy. Also called: Congenital alopecia and nail dystrophy associated with severe functional T-cell immunodeficiency; Pignata Guarino syndrome. Identifiers: Orphanet 169095, MedGen C1866426, MONDO:0011132, OMIM 601705.

Submission:

Labcorp Genetics (formerly Invitae), Labcorp
Classification: Uncertain significance for T-cell immunodeficiency, congenital alopecia, and nail dystrophy. Last evaluated: 2025-07-02. Review status: criteria provided, single submitter. Criteria: Invitae Variant Classification Sherloc (09022015). Collection method: clinical testing. Allele origin: germline.
Comment: This sequence change replaces glycine, which is neutral and non-polar, with valine, which is neutral and non-polar, at codon 604 of the FOXN1 protein (p.Gly604Val). This variant is not present in population databases (gnomAD no frequency). This variant has not been reported in the literature in individuals affected with FOXN1-related conditions. ClinVar contains an entry for this variant (Variation ID: 652419). Invitae Evidence Modeling of protein sequence and biophysical properties (such as structural, functional, and spatial information, amino acid conservation, physicochemical variation, residue mobility, and thermodynamic stability) indicates that this missense variant is not expected to disrupt FOXN1 protein function with a negative predictive value of 80%. In summary, the available evidence is currently insufficient to determine the role of this variant in disease. Therefore, it has been classified as a Variant of Uncertain Significance.

NM_001369369.1(FOXN1):c.1811G>T (p.Gly604Val)

Gene: FOXN1 (forkhead box N1; plus strand). Cytogenetic location: 17q11.2.
Variant type: single nucleotide variant.
Coding change: c.1811G>T on transcript NM_001369369.1 (MANE Select); coding-DNA position 1811, G replaced by T.
Protein change: p.Gly604Val; replaces glycine 604 with valine.
Molecular consequence: missense variant.
Genome position (GRCh38, 1-based): chr17:28,537,300, G>T. VCF-style: chr17-28537300-G-T. GRCh37 (hg19) VCF-style: chr17-26864318-G-T.
Other names: c.1811G>T, p.Gly604Val (NM_003593.3); short protein forms G604V.
Identifiers: ClinVar variation 652419 (VCV000652419.6), dbSNP rs1377884054, ClinGen allele CA398328216.